The following is an entry in ClinVar:

ClinVar aggregate classification (germline): Pathogenic (1 of 4 stars; one submission).

Conditions:
LAMA2-related muscular dystrophy (LAMA2-RD). Also called: Laminin alpha 2-related dystrophy. Identifiers: MedGen C5679788, MONDO:0100228.

Submission:

Labcorp Genetics (formerly Invitae), Labcorp
Classification: Pathogenic for LAMA2-related muscular dystrophy. Last evaluated: 2025-06-09. Review status: criteria provided, single submitter. Criteria: Invitae Variant Classification Sherloc (09022015). Collection method: clinical testing. Allele origin: germline.
Comment: This sequence change creates a premature translational stop signal (p.His34Glnfs*16) in the LAMA2 gene. It is expected to result in an absent or disrupted protein product. Loss-of-function variants in LAMA2 are known to be pathogenic (PMID: 18700894, 32904964). This variant is not present in population databases (gnomAD no frequency). This variant has not been reported in the literature in individuals affected with LAMA2-related conditions. ClinVar contains an entry for this variant (Variation ID: 3725474). For these reasons, this variant has been classified as Pathogenic.

Literature cited by the submitters: PubMed 18700894; PubMed 32904964.

NM_000426.4(LAMA2):c.101dup (p.His34fs)

Gene: LAMA2 (laminin subunit alpha 2; plus strand). Cytogenetic location: 6q22.33.
Variant type: Duplication.
Coding change: c.101dup on transcript NM_000426.4 (MANE Select); coding-DNA position 101, one base duplicated (A; older notation c.101dupA).
Protein change: p.His34fs; shifts the reading frame from histidine 34.
Molecular consequence: frameshift variant.
Genome position (GRCh38, 1-based): chr6:128,883,346, A duplicated. VCF-style (leftmost placement, unchanged base first): chr6-128883345-C-CA. GRCh37 (hg19) VCF-style: chr6-129204490-C-CA.
Other names: c.101dup, p.His34fs (NM_001079823.2); short protein forms H34fs.
Identifiers: ClinVar variation 3725474 (VCV003725474.2).
Genomic context (GRCh38, chr6:128,883,345, plus strand): 5'-TCCGGAGGCCTCGGGGGCGTACAGGCGCAGCGGCCGCAGCAGCAGCGGCAGTCACAGGCA[C>CA]ATCAGCAAAGAGGTACAGTCGAGGCATGGGCTTGGGTTGCATCCTTTGCCGGGACCGAGA-3'